The following is an entry in ClinVar:

ClinVar aggregate classification (germline): Likely benign (1 of 4 stars; one submission).

Allele frequency attached by ClinVar (database versions not stated): gnomAD exomes below 0.00001; ExAC 0.00001; gnomAD 0.00001; TOPMed 0.00003.

Submission:

GeneDx
Classification: Likely benign. Last evaluated: 2017-12-11. Review status: criteria provided, single submitter. Criteria: GeneDx Variant Classification (06012015). Collection method: clinical testing. Allele origin: germline. Affected: yes.
Comment: This variant is considered likely benign or benign based on one or more of the following criteria: it is a conservative change, it occurs at a poorly conserved position in the protein, it is predicted to be benign by multiple in silico algorithms, and/or has population frequency not consistent with disease.

NM_152490.5(B3GALNT2):c.1311+4_1311+5del

Gene: B3GALNT2 (beta-1,3-N-acetylgalactosaminyltransferase 2; minus strand). Cytogenetic location: 1q42.3.
Variant type: Deletion.
Coding change: c.1311+4_1311+5del on transcript NM_152490.5 (MANE Select); bases 4 to 5 of the intron after coding-DNA position 1311, 2 bases deleted (AT; older notation c.1311+4_1311+5delAT).
Molecular consequence: intron variant.
Genome position (GRCh38, 1-based): chr1:235,454,151-235,454,152, AT deleted on the plus strand (AT on the coding strand, the reverse complement: B3GALNT2 is on the minus strand). VCF-style (leftmost placement, unchanged base first): chr1-235454150-AAT-A. GRCh37 (hg19) VCF-style: chr1-235617462-AAT-A.
Identifiers: ClinVar variation 513920 (VCV000513920.1), dbSNP rs754052311, ClinGen allele CA1464637.